The following is an entry in ClinVar:

ClinVar aggregate classification (germline): Uncertain significance (1 of 4 stars; one submission).

Conditions:
Hurler syndrome. Also called: Gargoylism, Hurler Syndrome; MUCOPOLYSACCHARIDOSIS TYPE IH; Severe MPS I (Hurler Syndrome). Identifiers: Orphanet 93473, MedGen C0086795, MONDO:0011758, OMIM 607014.

Submission:

Neuberg Centre For Genomic Medicine, NCGM
Classification: Uncertain significance for Hurler syndrome. Review status: criteria provided, single submitter. Criteria: ACMG Guidelines, 2015. Collection method: clinical testing. Allele origin: germline. Inheritance: Autosomal recessive inheritance. Affected: yes.
Comment: The missense c.1652T>A (p.Val551Asp) variant in IDUA gene has not been reported previously as a pathogenic variant nor a benign variant, to our knowledge. The p.Val551Asp variant is novel (not in any individuals) in both gnomAD Exomes and 1000 Genomes databases. This variant has not been reported to the ClinVar database. The amino acid change p.Val551Asp in IDUA is predicted as conserved by GERP++ and PhyloP across 100 vertebrates. The amino acid Val at position 551 is changed to a Asp changing protein sequence and it might alter its composition and physico-chemical properties. For these reasons, this variant has been classified as a Uncertain significance (VUS).

NM_000203.5(IDUA):c.1652T>A (p.Val551Asp)

Gene: IDUA (alpha-L-iduronidase; plus strand). Cytogenetic location: 4p16.3.
Variant type: single nucleotide variant.
Coding change: c.1652T>A on transcript NM_000203.5 (MANE Select); coding-DNA position 1652, T replaced by A.
Protein change: p.Val551Asp; replaces valine 551 with aspartic acid.
Molecular consequence: missense variant. On other transcripts: non-coding transcript variant (1).
Genome position (GRCh38, 1-based): chr4:1,003,550, T>A. VCF-style: chr4-1003550-T-A. GRCh37 (hg19) VCF-style: chr4-997338-T-A.
Other names: c.1256T>A, p.Val419Asp (NM_001363576.1); short protein forms V419D, V551D.
Identifiers: ClinVar variation 3061994 (VCV003061994.1), dbSNP rs2534099296, ClinGen allele CA355965152.